The following is an entry in ClinVar:

NM_018706.7(DHTKD1):c.2750C>G (p.Thr917Ser)

Gene: DHTKD1 (dehydrogenase E1 and transketolase domain containing 1; plus strand). Cytogenetic location: 10p14.
Variant type: single nucleotide variant.
Coding change: c.2750C>G on transcript NM_018706.7 (MANE Select); coding-DNA position 2750, C replaced by G.
Protein change: p.Thr917Ser; replaces threonine 917 with serine.
Molecular consequence: missense variant.
Genome position (GRCh38, 1-based): chr10:12,120,878, C>G. VCF-style: chr10-12120878-C-G. GRCh37 (hg19) VCF-style: chr10-12162877-C-G.
Other names: short protein forms T917S.
Identifiers: ClinVar variation 2085434 (VCV002085434.4), dbSNP rs900369188, ClinGen allele CA202568923.

ClinVar aggregate classification (germline): Uncertain significance (1 of 4 stars; one submission).

Conditions:
2-aminoadipic 2-oxoadipic aciduria (AAKAD). Also called: Aminoadipic aciduria; ALPHA-AMINOADIPIC AND ALPHA-KETOADIPIC ACIDURIA. Identifiers: Orphanet 79154, MedGen C1859817, MONDO:0008774, OMIM 204750.

Submission:

Labcorp Genetics (formerly Invitae), Labcorp
Classification: Uncertain significance for 2-aminoadipic 2-oxoadipic aciduria. Last evaluated: 2022-09-17. Review status: criteria provided, single submitter. Criteria: Invitae Variant Classification Sherloc (09022015). Collection method: clinical testing. Allele origin: germline.
Comment: In summary, the available evidence is currently insufficient to determine the role of this variant in disease. Therefore, it has been classified as a Variant of Uncertain Significance. Advanced modeling of protein sequence and biophysical properties (such as structural, functional, and spatial information, amino acid conservation, physicochemical variation, residue mobility, and thermodynamic stability) performed at Invitae indicates that this missense variant is not expected to disrupt DHTKD1 protein function. This variant has not been reported in the literature in individuals affected with DHTKD1-related conditions. This variant is present in population databases (no rsID available, gnomAD 0.004%). This sequence change replaces threonine, which is neutral and polar, with serine, which is neutral and polar, at codon 917 of the DHTKD1 protein (p.Thr917Ser).